The following is an entry in ClinVar:

NM_001355436.2(SPTB):c.1396dup (p.Ala466fs)

Gene: SPTB (spectrin beta, erythrocytic; minus strand). Cytogenetic location: 14q23.3.
Variant type: Duplication.
Coding change: c.1396dup on transcript NM_001355436.2 (MANE Select); coding-DNA position 1396, one base duplicated (G; older notation c.1396dupG).
Protein change: p.Ala466fs; shifts the reading frame from alanine 466.
Molecular consequence: frameshift variant.
Genome position (GRCh38, 1-based): chr14:64,795,585, C duplicated on the plus strand (G on the coding strand, the reverse complement: SPTB is on the minus strand); the first of 2 consecutive C bases (chr14:64,795,585-64,795,586); duplicating either gives the same sequence. VCF-style (leftmost placement, unchanged base first): chr14-64795584-G-GC. GRCh37 (hg19) VCF-style: chr14-65262302-G-GC.
Other names: c.1396dup, p.Ala466fs (NM_001024858.4, NM_001355437.2); short protein forms A466fs.
Identifiers: ClinVar variation 1163554 (VCV001163554.5), dbSNP rs2139603257, ClinGen allele CA2499222661.
Genomic context (GRCh38, chr14:64,795,584, plus strand): 5'-TGAGCCAGGTCCTCCAGGGCTCTCACCCGCTCCTCGTAGGCAGCCGTGTCGGTCTCGATG[G>GC]CCTCATGCTTCTTCTTGGCGGCCTCCACAGCTGCCAGGTCATACCCAAAGTTATCCTGCC-3'

ClinVar aggregate classification (germline): Likely pathogenic (1 of 4 stars; one submission).

Submission:

Mayo Clinic Laboratories, Mayo Clinic
Classification: Likely pathogenic. Last evaluated: 2020-12-22. Review status: criteria provided, single submitter. Criteria: ACMG Guidelines, 2015. Collection method: clinical testing. Allele origin: germline. Observed: 1 variant allele.
Comment: PVS1, PM2